The following is an entry in ClinVar:

ClinVar aggregate classification (germline): Conflicting classifications of pathogenicity. Review status: criteria provided, conflicting classifications (1 of 4 stars). 3 submissions from 3 submitters: Uncertain significance (1); Likely benign (1). 1 of the submissions does not count toward it. Last evaluated 2025-12-15.

Conditions:
PCNT-related disorder. Also called: PCNT-related condition.
Microcephalic osteodysplastic primordial dwarfism type II (MOPD2). Also called: Microcephalic osteodysplastic primordial dwarfism with tooth abnormalities; MOPD II; OSTEODYSPLASTIC PRIMORDIAL DWARFISM, TYPE II. Identifiers: Orphanet 2637, MedGen C0432246, MONDO:0008872, OMIM 210720.

Allele frequency attached by ClinVar (database versions not stated): TOPMed 0.00002; gnomAD exomes 0.00003; gnomAD 0.00004 and 0.00006; ExAC 0.00005; ESP Exome Variant Server 0.00008; 1000 Genomes Project 0.00040; 1000 Genomes Project 30x 0.00047.

Submissions (3):

Labcorp Genetics (formerly Invitae), Labcorp
Classification: Likely benign. Last evaluated: 2025-12-15. Review status: criteria provided, single submitter. Criteria: Invitae Variant Classification Sherloc (09022015). Collection method: clinical testing. Allele origin: germline.

Illumina Laboratory Services, Illumina
Classification: Uncertain significance for Microcephalic osteodysplastic primordial dwarfism type II. Last evaluated: 2018-01-12. Review status: criteria provided, single submitter. Criteria: ICSL Variant Classification Criteria 13 December 2019. Collection method: clinical testing. Allele origin: germline.

PreventionGenetics, part of Exact Sciences
Classification: Likely benign for PCNT-related condition. Last evaluated: 2021-11-17. Review status: no assertion criteria provided. Collection method: clinical testing. Allele origin: germline. Not counted in ClinVar's aggregate classification.
Comment: This variant is classified as likely benign based on ACMG/AMP sequence variant interpretation guidelines (Richards et al. 2015 PMID: 25741868, with internal and published modifications).

NM_006031.6(PCNT):c.5937C>T (p.Thr1979=)

Gene: PCNT (pericentrin; plus strand). Cytogenetic location: 21q22.3.
Variant type: single nucleotide variant.
Coding change: c.5937C>T on transcript NM_006031.6 (MANE Select); coding-DNA position 5937, C replaced by T.
Protein change: p.Thr1979=; no amino-acid change (threonine 1979 retained).
Molecular consequence: synonymous variant.
Genome position (GRCh38, 1-based): chr21:46,412,010, C>T. VCF-style: chr21-46412010-C-T. GRCh37 (hg19) VCF-style: chr21-47831924-C-T.
Other names: c.5583C>T, p.Thr1861= (NM_001315529.2).
Identifiers: ClinVar variation 895684 (VCV000895684.8), dbSNP rs181294356, ClinGen allele CA10080126.
Genomic context (GRCh38, chr21:46,412,010, plus strand): 5'-ACGGGTGCCCGGGGCCCACCCACAGCCTCGCATGGATGGTGGCGCCAAGGCCCAGGTCAC[C>T]GGCGACGTGGAGGCCTCCCATGATGCTGCTTTGGAGCCGGTTGTCCCTGACCCACAGGTG-3'
Protein context (NP_006022.3, residues 1969-1989): RMDGGAKAQV[Thr1979=]GDVEASHDAA